The following is an entry in ClinVar:

NM_015340.4(LARS2):c.440A>C (p.Gln147Pro)

Gene: LARS2 (leucyl-tRNA synthetase 2, mitochondrial; plus strand). Cytogenetic location: 3p21.31.
Variant type: single nucleotide variant.
Coding change: c.440A>C on transcript NM_015340.4 (MANE Select); coding-DNA position 440, A replaced by C.
Protein change: p.Gln147Pro; replaces glutamine 147 with proline.
Molecular consequence: missense variant.
Genome position (GRCh38, 1-based): chr3:45,417,558, A>C. VCF-style: chr3-45417558-A-C. GRCh37 (hg19) VCF-style: chr3-45459050-A-C.
Other names: c.440A>C, p.Gln147Pro (NM_001368263.1); short protein forms Q147P.
Identifiers: ClinVar variation 691523 (VCV000691523.3), dbSNP rs536853368, ClinGen allele CA73694042.

ClinVar aggregate classification (germline): Likely pathogenic. Review status: criteria provided, multiple submitters, no conflicts (2 of 4 stars). 2 submissions from 2 submitters: Likely pathogenic (2). Last evaluated 2022-03-31.

Conditions:
Hydrops-lactic acidosis-sideroblastic anemia-multisystemic failure syndrome. Also called: Hydrops, lactic acidosis, and sideroblastic anemia. Identifiers: Orphanet 528091, MedGen C4310761, MONDO:0014869, OMIM 617021.
Perrault syndrome 4 (PRLTS4). Identifiers: Orphanet 2855, MedGen C3809105, MONDO:0014126, OMIM 615300.

gnomAD v4.1: 32 of 1,613,698 alleles (0.002%); highest among the groups gnomAD compares: Non-Finnish European, 0.0026%; no homozygotes.

Submissions (2):

Victorian Clinical Genetics Services, Murdoch Childrens Research Institute
Classification: Likely pathogenic for Hydrops-lactic acidosis-sideroblastic anemia-multisystemic failure syndrome. Last evaluated: 2022-03-31. Review status: criteria provided, single submitter. Criteria: ACMG Guidelines, 2015. Collection method: clinical testing. Allele origin: germline. Inheritance: Autosomal recessive inheritance.
Comment: Based on the classification scheme VCGS_Germline_v1.3.4, this variant is classified as Likely Pathogenic. Following criteria are met: 0102 - Loss of function is a known mechanism of disease in this gene and is associated with Perrault syndrome 4 (MIM#615300). (I) 0106 - This gene is associated with autosomal recessive disease. (I) 0200 - Variant is predicted to result in a missense amino acid change from glutamine to proline. (I) 0301 - Variant is absent from gnomAD (both v2 and v3). (SP) 0309 - Mutiple alternative amino acid changes at the same position have been observed in gnomAD (highest allele count: v2: 2 heterozygotes, 0 homozygotes). (I) 0600 - Variant is located in the annotated tRNA synthetase domain (DECIPHER). (I) 0705 - No comparable missense variants have previous evidence for pathogenicity. (I) 0807 - This variant has no previous evidence of pathogenicity. (I) 0905 - No published segregation evidence has been identified for this variant. (I) 1002 - This variant has moderate functional evidence supporting abnormal protein function. In vitro assays demonstrated a two fold decrease in catalytic efficiency when compared to wild-type (PMID: 32442335). (SP) 1208 - Inheritance information for this variant is not currently available in this individual. (I) Legend: (SP) - Supporting pathogenic, (I) - Information, (SB) - Supporting benign

Kids Research, The Children's Hospital at Westmead
Classification: Likely pathogenic for Perrault syndrome 4. Last evaluated: 2019-07-18. Review status: criteria provided, single submitter. Criteria: ACMG Guidelines, 2015. Collection method: research. Allele origin: unknown. Affected: yes. Observed: 1 compound heterozygote.

Literature cited by the submitters: PubMed 32442335 (cited by Victorian Clinical Genetics Services, Murdoch Childrens Research Institute).